The following is an entry in ClinVar:

NM_000179.3(MSH6):c.3958_3986dup (p.Ser1329_Leu1330insGlnGluAsnLeuArgArgTer)

Gene: MSH6 (mutS homolog 6; plus strand). Cytogenetic location: 2p16.3.
Variant type: Duplication.
Coding change: c.3958_3986dup on transcript NM_000179.3 (MANE Select); coding-DNA positions 3958 to 3986, 29 bases duplicated (GCAAGAGAATTTGAGAAGATGAATCAGTC).
Protein change: p.Ser1329_Leu1330insGlnGluAsnLeuArgArgTer.
Molecular consequence: nonsense. On other transcripts: no sequence alteration (1), non-coding transcript variant (5), intron variant (1).
Genome position (GRCh38, 1-based): chr2:47,806,608-47,806,636, GCAAGAGAATTTGAGAAGATGAATCAGTC duplicated. VCF-style (leftmost placement, unchanged base first): chr2-47806607-A-AGCAAGAGAATTTGAGAAGATGAATCAGTC. GRCh37 (hg19) VCF-style: chr2-48033746-A-AGCAAGAGAATTTGAGAAGATGAATCAGTC.
Other names: c.3568_3596dup, p.Ser1199_Leu1200insGlnGluAsnLeuArgArgTer (NM_001281492.2); c.3052_3080dup, p.Ser1027_Leu1028insGlnGluAsnLeuArgArgTer (NM_001281493.2, NM_001281494.2, NM_001406811.1 and 6 more transcripts); c.4054_4082dup, p.Ser1361_Leu1362insGlnGluAsnLeuArgArgTer (NM_001406795.1); c.3958_3986dup, p.Ser1329_Leu1330insGlnGluAsnLeuArgArgTer (NM_001406796.1, NM_001406808.1, NM_001406809.1); c.3661_3689dup, p.Ser1230_Leu1231insGlnGluAsnLeuArgArgTer (NM_001406797.1, NM_001406801.1, NM_001406805.1 and 10 more transcripts); c.3784_3812dup, p.Ser1271_Leu1272insGlnGluAsnLeuArgArgTer (NM_001406798.1); c.3433_3461dup, p.Ser1154_Leu1155insGlnGluAsnLeuArgArgTer (NM_001406799.1, NM_001406806.1, NM_001406807.1); c.3945_*7dup, p.Lys1315_Ter1322= (NM_001406800.1); and 9 more.
Identifiers: ClinVar variation 2673578 (VCV002673578.1), dbSNP rs2530875400, ClinGen allele CA2695200528.

ClinVar aggregate classification (germline): Likely pathogenic (1 of 4 stars; one submission).

Conditions:
Lynch syndrome 5 (LYNCH5). Also called: Colorectal cancer, hereditary nonpolyposis, type 5; Hereditary non-polyposis colorectal cancer, type 5. Identifiers: Orphanet 144, MedGen C1833477, MONDO:0013710, OMIM 614350. Disease mechanism: loss of function.

Submission:

Myriad Genetics, Inc.
Classification: Likely pathogenic for Lynch syndrome 5. Last evaluated: 2023-08-28. Review status: criteria provided, single submitter. Criteria: Myriad Autosomal Dominant, Autosomal Recessive and X-Linked Classification Criteria (2023). Collection method: clinical testing. Allele origin: unknown.
Comment: This variant is considered likely pathogenic. This variant creates a frameshift predicted to result in premature protein truncation.